The following is an entry in ClinVar:

ClinVar aggregate classification (germline): Uncertain significance (1 of 4 stars; one submission).

Conditions:
Congenital muscular dystrophy due to integrin alpha-7 deficiency. Also called: MYOPATHY, CONGENITAL, DUE TO INTEGRIN ALPHA-7 DEFICIENCY; Congenital muscular dystrophy with integrin alpha-7 deficiency; Muscular dystrophy, congenital, due to ITGA7 deficiency. Identifiers: Orphanet 34520, MedGen C2750786, MONDO:0013177, OMIM 613204.

Allele frequency attached by ClinVar (database versions not stated): gnomAD 0.00002; TOPMed 0.00003; ExAC 0.00004; gnomAD exomes 0.00004.
gnomAD v4.1: 38 of 1,612,998 alleles (0.0024%); highest among the groups gnomAD compares: Admixed American, 0.013%; no homozygotes.

Submission:

Labcorp Genetics (formerly Invitae), Labcorp
Classification: Uncertain significance for Congenital muscular dystrophy due to integrin alpha-7 deficiency. Last evaluated: 2022-09-12. Review status: criteria provided, single submitter. Criteria: Invitae Variant Classification Sherloc (09022015). Collection method: clinical testing. Allele origin: germline.
Comment: This sequence change falls in intron 9 of the ITGA7 gene. It does not directly change the encoded amino acid sequence of the ITGA7 protein. This variant is present in population databases (rs760699968, gnomAD 0.02%). This variant has not been reported in the literature in individuals affected with ITGA7-related conditions. ClinVar contains an entry for this variant (Variation ID: 580175). Algorithms developed to predict the effect of sequence changes on RNA splicing suggest that this variant may disrupt the consensus splice site. In summary, the available evidence is currently insufficient to determine the role of this variant in disease. Therefore, it has been classified as a Variant of Uncertain Significance.

NM_002206.3(ITGA7):c.1410-7A>G

Gene: ITGA7 (integrin subunit alpha 7; minus strand). Cytogenetic location: 12q13.2.
Variant type: single nucleotide variant.
Coding change: c.1410-7A>G on transcript NM_002206.3 (MANE Select); 7 bases into the intron before coding-DNA position 1410, A replaced by G.
Molecular consequence: intron variant.
Genome position (GRCh38, 1-based): chr12:55,697,553, T>C on the plus strand (A>G on the coding strand, the complement: ITGA7 is on the minus strand). VCF-style: chr12-55697553-T-C. GRCh37 (hg19) VCF-style: chr12-56091337-T-C.
Other names: c.1131-7A>G (NM_001144997.2); c.1083-7A>G (NM_001367993.1); c.1071-7A>G (NM_001414035.1); c.1227-7A>G (NM_001414033.1); c.66-7A>G (NM_001367994.1); c.1290-7A>G (NM_001414032.1); c.1323-7A>G (NM_001414031.1); c.1410-7A>G (NM_001374465.1, NM_001414034.1); and 3 more.
Identifiers: ClinVar variation 580175 (VCV000580175.6), dbSNP rs760699968, ClinGen allele CA6615959.